The following is an entry in ClinVar:

NM_005422.4(TECTA):c.4676G>A (p.Arg1559Gln)

Genes: TBCEL-TECTA (TBCEL-TECTA readthrough; plus strand), TECTA (tectorin alpha; plus strand). Cytogenetic location: 11q23.3.
Variant type: single nucleotide variant.
Coding change: c.4676G>A on transcript NM_005422.4 (MANE Select); coding-DNA position 4676, G replaced by A.
Protein change: p.Arg1559Gln; replaces arginine 1559 with glutamine.
Molecular consequence: missense variant.
Genome position (GRCh38, 1-based): chr11:121,158,211, G>A. VCF-style: chr11-121158211-G-A. GRCh37 (hg19) VCF-style: chr11-121028920-G-A.
Other names: c.5633G>A, p.Arg1878Gln (NM_001378761.1); short protein forms R1559Q, R1878Q.
Identifiers: ClinVar variation 2506835 (VCV002506835.2), dbSNP rs1184211696, ClinGen allele CA383027979.

ClinVar aggregate classification (germline): Uncertain significance. Review status: criteria provided, multiple submitters, no conflicts (2 of 4 stars). 2 submissions from 2 submitters: Uncertain significance (2). Last evaluated 2025-08-12.

Conditions:
Inborn genetic diseases. Identifiers: MedGen C0950123, MeSH D030342.

Allele frequency attached by ClinVar (database versions not stated): gnomAD exomes below 0.00001.
gnomAD v4.1: 3 of 1,612,772 alleles (0.00019%); no homozygotes.

Submissions (2):

Ambry Genetics
Classification: Uncertain significance for Inborn genetic diseases. Last evaluated: 2025-08-12. Review status: criteria provided, single submitter. Criteria: Ambry Variant Classification Scheme 2023. Collection method: clinical testing. Allele origin: germline.

GeneDx
Classification: Uncertain significance. Last evaluated: 2022-12-21. Review status: criteria provided, single submitter. Criteria: GeneDx Variant Classification Process June 2021. Collection method: clinical testing. Allele origin: germline. Affected: yes.
Comment: Not observed at significant frequency in large population cohorts (gnomAD); In silico analysis supports that this missense variant does not alter protein structure/function; Has not been previously published as pathogenic or benign to our knowledge; This variant is associated with the following publications: (PMID: 21520338, 31554319, 9590290)